The following is an entry in ClinVar:

NM_021914.7(CFL2):c.-1006G>C

Genes: CFL2 (cofilin 2; minus strand), LOC130055475 (ATAC-STARR-seq lymphoblastoid silent region 5668; plus strand). Cytogenetic location: 14q13.1.
Variant type: single nucleotide variant.
Coding change: c.-1006G>C on transcript NM_021914.7; 1006 bases upstream of the start codon, G replaced by C.
Genome position (GRCh38, 1-based): chr14:34,714,682, C>G on the plus strand (G>C on the coding strand, the complement: CFL2 is on the minus strand). VCF-style: chr14-34714682-C-G. GRCh37 (hg19) VCF-style: chr14-35183888-C-G.
Other names: c.-142G>C (NM_138638.4).
Identifiers: ClinVar variation 681265 (VCV000681265.4), dbSNP rs117211470, ClinGen allele CA7152403.

ClinVar aggregate classification (germline): Benign. Review status: criteria provided, multiple submitters, no conflicts (2 of 4 stars). 2 submissions from 2 submitters: Benign (2). Last evaluated 2018-06-14.

Allele frequency attached by ClinVar (database versions not stated): TOPMed 0.12055; 1000 Genomes Project 0.14477; ExAC 0.31922; 1000 Genomes Project 30x 0.14038.

Submissions (2):

GeneDx
Classification: Benign. Last evaluated: 2018-06-14. Review status: criteria provided, single submitter. Criteria: GeneDx Variant Classification (06012015). Collection method: clinical testing. Allele origin: germline. Affected: yes.
Comment: This variant is considered likely benign or benign based on one or more of the following criteria: it is a conservative change, it occurs at a poorly conserved position in the protein, it is predicted to be benign by multiple in silico algorithms, and/or has population frequency not consistent with disease.

Breakthrough Genomics
Classification: Benign. Review status: criteria provided, single submitter. Criteria: ACMG Guidelines, 2015. Collection method: not provided. Allele origin: germline. Inheritance: Autosomal recessive inheritance. Affected: yes.